The following is an entry in ClinVar:

ClinVar aggregate classification (germline): Uncertain significance. Review status: criteria provided, multiple submitters, no conflicts (2 of 4 stars). 2 submissions from 2 submitters: Uncertain significance (2). Last evaluated 2023-10-01.

Conditions:
Autosomal recessive limb-girdle muscular dystrophy type 2O. Also called: MUSCULAR DYSTROPHY-DYSTROGLYCANOPATHY (LIMB-GIRDLE), TYPE C, 3; MUSCULAR DYSTROPHY-DYSTROGLYCANOPATHY, LIMB-GIRDLE, POMGNT1-RELATED; Limb-Girdle Muscular Dystrophy Type 3C. Identifiers: Orphanet 206564, MedGen C3150417, MONDO:0013161, OMIM 613157.
Muscular dystrophy-dystroglycanopathy (congenital with impaired intellectual development), type B, 3. Also called: MUSCULAR DYSTROPHY, CONGENITAL, POMGNT1-RELATED; Muscular dystrophy-dystroglycanopathy (congenital with intellectual disability), type B3. Identifiers: MedGen C3150412, MONDO:0013155, OMIM 613151.
Retinal dystrophy. Also called: Inherited retinal dystrophy. Identifiers: Orphanet 71862, MedGen C0854723, MeSH D058499, MONDO:0019118, HP:0000556.

Allele frequency attached by ClinVar (database versions not stated): gnomAD exomes 0.00001 and below 0.00001; gnomAD 0.00001; TOPMed 0.00001.
gnomAD v4.1: 7 of 1,614,092 alleles (0.00043%); highest among the groups gnomAD compares: African/African-American, 0.004%; no homozygotes.

Submissions (2):

Dept Of Ophthalmology, Nagoya University
Classification: Uncertain significance for Retinal dystrophy. Last evaluated: 2023-10-01. Review status: criteria provided, single submitter. Criteria: Submitter's publication. Collection method: research. Allele origin: germline. Affected: yes.

Labcorp Genetics (formerly Invitae), Labcorp
Classification: Uncertain significance for Autosomal recessive limb-girdle muscular dystrophy type 2O; Muscular dystrophy-dystroglycanopathy (congenital with impaired intellectual development), type B, 3. Last evaluated: 2022-06-14. Review status: criteria provided, single submitter. Criteria: Invitae Variant Classification Sherloc (09022015). Collection method: clinical testing. Allele origin: germline.
Comment: This sequence change replaces arginine, which is basic and polar, with cysteine, which is neutral and slightly polar, at codon 264 of the POMGNT1 protein (p.Arg264Cys). This variant is present in population databases (rs369306680, gnomAD 0.002%). This missense change has been observed in individual(s) with clinical features of muscular dystrophy-dystroglycanopathy (Invitae). In at least one individual the data is consistent with being in trans (on the opposite chromosome) from a pathogenic variant. It has also been observed to segregate with disease in related individuals. ClinVar contains an entry for this variant (Variation ID: 848282). Advanced modeling of protein sequence and biophysical properties (such as structural, functional, and spatial information, amino acid conservation, physicochemical variation, residue mobility, and thermodynamic stability) performed at Invitae indicates that this missense variant is not expected to disrupt POMGNT1 protein function. In summary, the available evidence is currently insufficient to determine the role of this variant in disease. Therefore, it has been classified as a Variant of Uncertain Significance.

NM_017739.4(POMGNT1):c.790C>T (p.Arg264Cys)

Genes: POMGNT1 (protein O-linked mannose N-acetylglucosaminyltransferase 1 (beta 1,2-); minus strand), TSPAN1 (tetraspanin 1; plus strand). Cytogenetic location: 1p34.1.
Variant type: single nucleotide variant.
Coding change: c.790C>T on transcript NM_017739.4 (MANE Select); coding-DNA position 790, C replaced by T.
Protein change: p.Arg264Cys; replaces arginine 264 with cysteine.
Molecular consequence: missense variant.
Genome position (GRCh38, 1-based): chr1:46,194,363, G>A on the plus strand (C>T on the coding strand, the complement: POMGNT1 is on the minus strand). VCF-style: chr1-46194363-G-A. GRCh37 (hg19) VCF-style: chr1-46660035-G-A.
Other names: c.790C>T, p.Arg264Cys (NM_001243766.2, NM_001410783.1); c.724C>T, p.Arg242Cys (NM_001290129.3); c.361C>T, p.Arg121Cys (NM_001290130.2); short protein forms R121C, R264C, R242C.
Identifiers: ClinVar variation 848282 (VCV000848282.8), dbSNP rs369306680, ClinGen allele CA833604.